The following is an entry in ClinVar:

ClinVar aggregate classification (germline): Uncertain significance (1 of 4 stars; one submission).

Conditions:
Charcot-Marie-Tooth disease axonal type 2C (HMSN2C). Also called: CHARCOT-MARIE-TOOTH DISEASE, AXONAL, AUTOSOMAL DOMINANT, TYPE 2C; Charcot-Marie-Tooth Neuropathy Type 2C; Charcot-Marie-Tooth Disease Type 2, TRPV4-Related (CMT2C). Identifiers: Orphanet 99937, MedGen C1853710, MONDO:0011633, OMIM 606071.

Submission:

Labcorp Genetics (formerly Invitae), Labcorp
Classification: Uncertain significance for Charcot-Marie-Tooth disease axonal type 2C. Last evaluated: 2017-09-24. Review status: criteria provided, single submitter. Criteria: Invitae Variant Classification Sherloc (09022015). Collection method: clinical testing. Allele origin: germline.
Comment: This sequence change replaces asparagine with serine at codon 201 of the TRPV4 protein (p.Asn201Ser). The asparagine residue is moderately conserved and there is a small physicochemical difference between asparagine and serine. This variant is not present in population databases (ExAC no frequency). This variant has not been reported in the literature in individuals with TRPV4-related disease. Algorithms developed to predict the effect of missense changes on protein structure and function (SIFT, PolyPhen-2, Align-GVGD) all suggest that this variant is likely to be tolerated, but these predictions have not been confirmed by published functional studies and their clinical significance is uncertain. In summary, the available evidence is currently insufficient to determine the role of this variant in disease. Therefore, it has been classified as a Variant of Uncertain Significance.

NM_021625.5(TRPV4):c.602A>G (p.Asn201Ser)

Gene: TRPV4 (transient receptor potential cation channel subfamily V member 4; minus strand). Cytogenetic location: 12q24.11.
Variant type: single nucleotide variant.
Coding change: c.602A>G on transcript NM_021625.5 (MANE Select); coding-DNA position 602, A replaced by G.
Protein change: p.Asn201Ser; replaces asparagine 201 with serine.
Molecular consequence: missense variant.
Genome position (GRCh38, 1-based): chr12:109,803,101, T>C on the plus strand (A>G on the coding strand, the complement: TRPV4 is on the minus strand). VCF-style: chr12-109803101-T-C. GRCh37 (hg19) VCF-style: chr12-110240906-T-C.
Other names: c.602A>G, p.Asn201Ser (NM_147204.3, NM_001177428.2, NM_001177433.2); c.500A>G, p.Asn167Ser (NM_001177431.2); short protein forms N201S, N167S.
Identifiers: ClinVar variation 536866 (VCV000536866.7), dbSNP rs1555208698, ClinGen allele CA386656192.